The following is an entry in ClinVar:

ClinVar aggregate classification (germline): Pathogenic/Likely pathogenic. Review status: criteria provided, multiple submitters, no conflicts (2 of 4 stars). 4 submissions from 4 submitters: Pathogenic (2); Likely pathogenic (1). 1 of the submissions does not count toward it. Last evaluated 2024-03-12.

Conditions:
POLR3B-related disorder. Also called: POLR3B-related condition; POLR3B-related disorders. Identifiers: MedGen CN378588, MONDO:0700277.
Charcot-Marie-Tooth disease, demyelinating, IIA 1I. Also called: CHARCOT-MARIE-TOOTH NEUROPATHY, TYPE 1I; Charcot-Marie-Tooth disease, demyelinating, type 1I. Identifiers: MedGen C5676914, MONDO:0030677, OMIM 619742.

Submissions (4):

Blueprint Genetics
Classification: Pathogenic for POLR3B-related disorders. Last evaluated: 2024-03-12. Review status: criteria provided, single submitter. Criteria: ACMG Guidelines, 2015. Collection method: clinical testing. Allele origin: germline. Affected: yes. Observed: 1 variant allele.

Duke University Health System Sequencing Clinic, Duke University Health System
Classification: Pathogenic for Charcot-Marie-Tooth disease, demyelinating, IIA 1I. Last evaluated: 2023-04-20. Review status: criteria provided, single submitter. Criteria: ACMG Guidelines, 2015. Collection method: research. Allele origin: de novo. Affected: yes.

GeneDx
Classification: Likely pathogenic. Last evaluated: 2020-12-01. Review status: criteria provided, single submitter. Criteria: GeneDx Variant Classification (06012015). Collection method: clinical testing. Allele origin: germline. Affected: yes.
Comment: Not observed in large population cohorts (Lek et al., 2016). In silico analysis supports that this missense variant has a deleterious effect on protein structure/function. We interpret R1046H as a likely pathogenic variant.

OMIM
Classification: Pathogenic for CHARCOT-MARIE-TOOTH DISEASE, DEMYELINATING, TYPE 1I. Last evaluated: 2022-06-17. Review status: no assertion criteria provided. Collection method: literature only. Allele origin: germline. Not counted in ClinVar's aggregate classification.

Literature cited by the submitters: PubMed 35395209 (cited by OMIM); PubMed 34666706 (cited by OMIM).

NM_018082.6(POLR3B):c.3137G>A (p.Arg1046His)

Genes: POLR3B (RNA polymerase III subunit B; plus strand), RFX4-AS1 (RFX4 antisense RNA 1; minus strand). Cytogenetic location: 12q23.3.
Variant type: single nucleotide variant.
Coding change: c.3137G>A on transcript NM_018082.6 (MANE Select); coding-DNA position 3137, G replaced by A.
Protein change: p.Arg1046His; replaces arginine 1046 with histidine.
Molecular consequence: missense variant.
Genome position (GRCh38, 1-based): chr12:106,504,119, G>A. VCF-style: chr12-106504119-G-A. GRCh37 (hg19) VCF-style: chr12-106897897-G-A.
Other names: c.2963G>A, p.Arg988His (NM_001160708.2); short protein forms R1046H, R988H.
Identifiers: ClinVar variation 1048513 (VCV001048513.6), dbSNP rs2038648611, ClinGen allele CA386393936.
Genomic context (GRCh38, chr12:106,504,119, plus strand): 5'-TGTCTAATAACTTGTTTCAAAGGCAACCCACTGAAGGACGGTCTCGTGATGGTGGCTTGC[G>A]TCTCGGGGAAATGGAACGTGACTGTTTAATCGGTTATGGAGCCAGTATGCTTTTGCTAGA-3'
Protein context (NP_060552.4, residues 1036-1056): TEGRSRDGGL[Arg1046His]LGEMERDCLI